The following is an entry in ClinVar:

NM_138393.4(REEP6):c.119C>T (p.Ala40Val)

Gene: REEP6 (receptor accessory protein 6; plus strand). Cytogenetic location: 19p13.3.
Variant type: single nucleotide variant.
Coding change: c.119C>T on transcript NM_138393.4 (MANE Select); coding-DNA position 119, C replaced by T.
Protein change: p.Ala40Val; replaces alanine 40 with valine.
Molecular consequence: missense variant.
Genome position (GRCh38, 1-based): chr19:1,495,297, C>T. VCF-style: chr19-1495297-C-T. GRCh37 (hg19) VCF-style: chr19-1495296-C-T.
Other names: c.119C>T (NM_138393.1); c.119C>T, p.Ala40Val (NM_001329556.3); short protein forms A40V.
Identifiers: ClinVar variation 944595 (VCV000944595.11), dbSNP rs749544140, ClinGen allele CA9047404.

ClinVar aggregate classification (germline): Uncertain significance. Review status: criteria provided, multiple submitters, no conflicts (2 of 4 stars). 3 submissions from 3 submitters: Uncertain significance (3). Last evaluated 2025-02-07.

Conditions:
Inborn genetic diseases. Identifiers: MedGen C0950123, MeSH D030342.

Allele frequency attached by ClinVar (database versions not stated): ExAC 0.00001; gnomAD 0.00001; gnomAD exomes 0.00001 and 0.00005; TOPMed 0.00001.

Submissions (3):

Ambry Genetics
Classification: Uncertain significance for Inborn genetic diseases. Last evaluated: 2025-02-07. Review status: criteria provided, single submitter. Criteria: Ambry Variant Classification Scheme 2023. Collection method: clinical testing. Allele origin: germline.

Labcorp Genetics (formerly Invitae), Labcorp
Classification: Uncertain significance. Last evaluated: 2022-07-26. Review status: criteria provided, single submitter. Criteria: Invitae Variant Classification Sherloc (09022015). Collection method: clinical testing. Allele origin: germline.
Comment: In summary, the available evidence is currently insufficient to determine the role of this variant in disease. Therefore, it has been classified as a Variant of Uncertain Significance. Algorithms developed to predict the effect of missense changes on protein structure and function output the following: SIFT: "Not Available"; PolyPhen-2: "Not Available"; Align-GVGD: "Not Available". The valine amino acid residue is found in multiple mammalian species, which suggests that this missense change does not adversely affect protein function. ClinVar contains an entry for this variant (Variation ID: 944595). This variant has not been reported in the literature in individuals affected with REEP6-related conditions. This variant is present in population databases (rs749544140, gnomAD 0.003%). This sequence change replaces alanine, which is neutral and non-polar, with valine, which is neutral and non-polar, at codon 40 of the REEP6 protein (p.Ala40Val).

Blueprint Genetics
Classification: Uncertain significance. Last evaluated: 2022-05-25. Review status: criteria provided, single submitter. Criteria: ACMG Guidelines, 2015. Collection method: clinical testing. Allele origin: germline.